The following is an entry in ClinVar:

ClinVar aggregate classification (germline): Benign/Likely benign. Review status: criteria provided, multiple submitters, no conflicts (2 of 4 stars). 7 submissions from 7 submitters: Benign (3); Likely benign (4). Last evaluated 2026-09-01.

Conditions:
Facioscapulohumeral muscular dystrophy 2 (FSHD2). Also called: FACIOSCAPULOHUMERAL MUSCULAR DYSTROPHY 2, DIGENIC; FSHD2, DIGENIC; MUSCULAR DYSTROPHY, FACIOSCAPULOHUMERAL, TYPE 1B. Identifiers: Orphanet 269, MedGen C1834671, MONDO:0008031, OMIM 158901.

Allele frequency attached by ClinVar (database versions not stated): gnomAD 0.00192 and 0.00201; ESP Exome Variant Server 0.00210; 1000 Genomes Project 30x 0.00234; gnomAD exomes 0.00237; TOPMed 0.00247; 1000 Genomes Project 0.00260; ExAC 0.00264.
gnomAD v4.1: 3,401 of 1,489,544 alleles (0.23%); highest among the groups gnomAD compares: Middle Eastern, 1.2%; 12 homozygotes.

Submissions (7):

CeGaT Center for Human Genetics Tuebingen
Classification: Likely benign. Last evaluated: 2026-09-01. Review status: criteria provided, single submitter. Criteria: CeGaT Center For Human Genetics Tuebingen Variant Classification Criteria Version 2. Collection method: clinical testing. Allele origin: germline. Affected: yes. Observed: 3 variant alleles.
Comment: SMCHD1: BP4, BS1

Labcorp Genetics (formerly Invitae), Labcorp
Classification: Benign for Facioscapulohumeral muscular dystrophy 2. Last evaluated: 2026-02-01. Review status: criteria provided, single submitter. Criteria: Invitae Variant Classification Sherloc (09022015). Collection method: clinical testing. Allele origin: germline.

Blueprint Genetics
Classification: Likely benign. Last evaluated: 2024-11-27. Review status: criteria provided, single submitter. Criteria: ACMG Guidelines, 2015. Collection method: clinical testing. Allele origin: germline.

Athena Diagnostics
Classification: Benign. Last evaluated: 2024-08-21. Review status: criteria provided, single submitter. Criteria: Athena Diagnostics Criteria. Collection method: clinical testing. Allele origin: unknown.

Eurofins Ntd Llc (ga)
Classification: Benign. Last evaluated: 2015-10-30. Review status: criteria provided, single submitter. Criteria: EGL Classification Definitions 2015. Collection method: clinical testing. Allele origin: germline. Observed: 5 variant alleles, 5 heterozygotes.

Breakthrough Genomics
Classification: Likely benign. Review status: criteria provided, single submitter. Criteria: ACMG Guidelines, 2015. Collection method: not provided. Allele origin: germline. Inheritance: Autosomal dominant inheritance. Affected: yes.

PreventionGenetics, part of Exact Sciences
Classification: Likely benign. Review status: criteria provided, single submitter. Criteria: ACMG Guidelines, 2015. Collection method: clinical testing. Allele origin: germline.

Literature cited by the submitters: PubMed 30979860 (cited by Athena Diagnostics); PubMed 31243061 (cited by Athena Diagnostics).

NM_015295.3(SMCHD1):c.1956+7C>T

Gene: SMCHD1 (structural maintenance of chromosomes flexible hinge domain containing 1; plus strand). Cytogenetic location: 18p11.32.
Variant type: single nucleotide variant.
Coding change: c.1956+7C>T on transcript NM_015295.3 (MANE Select); 7 bases into the intron after coding-DNA position 1956, C replaced by T.
Molecular consequence: intron variant.
Genome position (GRCh38, 1-based): chr18:2,705,814, C>T. VCF-style: chr18-2705814-C-T. GRCh37 (hg19) VCF-style: chr18-2705812-C-T.
Identifiers: ClinVar variation 260634 (VCV000260634.44), dbSNP rs145755468, ClinGen allele CA8870837.